The following is an entry in ClinVar:

ClinVar aggregate classification (germline): Uncertain significance. Review status: criteria provided, multiple submitters, no conflicts (2 of 4 stars). 2 submissions from 2 submitters: Uncertain significance (2). Last evaluated 2025-08-12.

Conditions:
Pancreatic adenocarcinoma. Identifiers: MedGen C0281361, MONDO:0006047, HP:0006725.

Allele frequency attached by ClinVar (database versions not stated): gnomAD exomes below 0.00001; TOPMed 0.00001.
gnomAD v4.1: 2 of 1,487,008 alleles (0.00013%); highest among the groups gnomAD compares: East Asian, 0.0029%; no homozygotes.

Submissions (2):

Ambry Genetics
Classification: Uncertain significance. Last evaluated: 2025-08-12. Review status: criteria provided, single submitter. Criteria: Ambry Variant Classification Scheme 2023. Collection method: clinical testing. Allele origin: germline.
Comment: The p.P51S variant (also known as c.151C>T), located in coding exon 1 of the PALLD gene, results from a C to T substitution at nucleotide position 151. The proline at codon 51 is replaced by serine, an amino acid with similar properties. This amino acid position is conserved. In addition, this alteration is predicted to be tolerated by in silico analysis. Based on the available evidence, the clinical significance of this variant remains unclear.

Labcorp Genetics (formerly Invitae), Labcorp
Classification: Uncertain significance for Pancreatic adenocarcinoma. Last evaluated: 2025-07-08. Review status: criteria provided, single submitter. Criteria: Invitae Variant Classification Sherloc (09022015). Collection method: clinical testing. Allele origin: germline.
Comment: This sequence change replaces proline, which is neutral and non-polar, with serine, which is neutral and polar, at codon 51 of the PALLD protein (p.Pro51Ser). This variant is not present in population databases (gnomAD no frequency). This variant has not been reported in the literature in individuals affected with PALLD-related conditions. ClinVar contains an entry for this variant (Variation ID: 476379). An algorithm developed to predict the effect of missense changes on protein structure and function (PolyPhen-2) suggests that this variant is likely to be tolerated. In summary, the available evidence is currently insufficient to determine the role of this variant in disease. Therefore, it has been classified as a Variant of Uncertain Significance.

NM_001166108.2(PALLD):c.1965-12880C>T

Gene: PALLD (palladin, cytoskeletal associated protein; plus strand). Cytogenetic location: 4q32.3.
Variant type: single nucleotide variant.
Coding change: c.1965-12880C>T on transcript NM_001166108.2 (MANE Select); 12880 bases into the intron before coding-DNA position 1965, C replaced by T.
Molecular consequence: intron variant. On other transcripts: missense variant (1).
Genome position (GRCh38, 1-based): chr4:168,878,042, C>T. VCF-style: chr4-168878042-C-T. GRCh37 (hg19) VCF-style: chr4-169799193-C-T.
Other names: c.151C>T, p.Pro51Ser (NM_001166110.2); c.1965-12880C>T (NM_016081.4); c.819-12880C>T (NM_001166109.2); c.-157-12880C>T (NM_001367570.1, NM_001367568.1, NM_001367567.1 and 1 more transcripts); short protein forms P51S.
Identifiers: ClinVar variation 476379 (VCV000476379.7), dbSNP rs1263751006, ClinGen allele CA358795230.